The following is an entry in ClinVar:

ClinVar aggregate classification (germline): Pathogenic (1 of 4 stars; one submission).

Submission:

CeGaT Center for Human Genetics Tuebingen
Classification: Pathogenic. Last evaluated: 2026-01-01. Review status: criteria provided, single submitter. Criteria: CeGaT Center For Human Genetics Tuebingen Variant Classification Criteria Version 2. Collection method: clinical testing. Allele origin: germline. Affected: yes. Observed: 1 variant allele.
Comment: ANKRD11: PVS1, PM2, PS2:Moderate

NM_013275.6(ANKRD11):c.3605_3606del (p.Val1201_Phe1202insTer)

Gene: ANKRD11 (ankyrin repeat domain 11; minus strand). Cytogenetic location: 16q24.3.
Variant type: Deletion.
Coding change: c.3605_3606del on transcript NM_013275.6 (MANE Select); coding-DNA positions 3605 to 3606, 2 bases deleted (TT; older notation c.3605_3606delTT).
Protein change: p.Val1201_Phe1202insTer.
Molecular consequence: nonsense.
Genome position (GRCh38, 1-based): chr16:89,282,936-89,282,937, AA deleted on the plus strand (TT on the coding strand, the reverse complement: ANKRD11 is on the minus strand); deleting any 2 consecutive bases within chr16:89,282,936-89,282,938 gives the same sequence; the c. name uses the placement nearest the transcript's 3' end. VCF-style (leftmost placement, unchanged base first): chr16-89282935-CAA-C. GRCh37 (hg19) VCF-style: chr16-89349343-CAA-C.
Other names: c.3605_3606del, p.Val1201_Phe1202insTer (NM_001256182.2, NM_001256183.2).
Identifiers: ClinVar variation 4823001 (VCV004823001.4).
Genomic context (GRCh38, chr16:89,282,935, plus strand): 5'-TGTCCTTCCTGTCCTTGTACTTTTCTGTGGACTCTTTATCCTTCTTCTCCTTGTGCTTTT[CAA>C]AGACTTTCTCTTTTTTGTCTCTCCCCGCGTCGGCAGCCCCTCGGTCCTTTCTCCTGTCTC-3'